The following is an entry in ClinVar:

NM_004006.3(DMD):c.971del (p.Ala324fs)

Gene: DMD (dystrophin; minus strand). Cytogenetic location: Xp21.1.
Variant type: Deletion.
Coding change: c.971del on transcript NM_004006.3 (MANE Select); coding-DNA position 971, one base deleted (C; older notation c.971delC).
Protein change: p.Ala324fs; shifts the reading frame from alanine 324.
Molecular consequence: frameshift variant.
Genome position (GRCh38, 1-based): chrX:32,645,142, G deleted on the plus strand (C on the coding strand, the reverse complement: DMD is on the minus strand). VCF-style (leftmost placement, unchanged base first): chrX-32645141-AG-A. GRCh37 (hg19) VCF-style: chrX-32663258-AG-A.
Other names: c.947del, p.Ala316fs (NM_000109.4); c.959del, p.Ala320fs (NM_004009.3); c.602del, p.Ala201fs (NM_004010.3); short protein forms A316fs, A320fs, A324fs, A201fs.
Identifiers: ClinVar variation 803937 (VCV000803937.6), dbSNP rs1602469251, ClinGen allele CA915950946.

ClinVar aggregate classification (germline): Pathogenic. Review status: criteria provided, multiple submitters, no conflicts (2 of 4 stars). 2 submissions from 2 submitters: Pathogenic (2). Last evaluated 2022-06-19.

Conditions:
Duchenne muscular dystrophy (DMD). Also called: Duchenne Muscular Dystrophy (DMD); MUSCULAR DYSTROPHY, PSEUDOHYPERTROPHIC PROGRESSIVE, DUCHENNE TYPE. Identifiers: Orphanet 98896, MedGen C0013264, MONDO:0010679, OMIM 310200.

Submissions (2):

Labcorp Genetics (formerly Invitae), Labcorp
Classification: Pathogenic for Duchenne muscular dystrophy. Last evaluated: 2022-06-19. Review status: criteria provided, single submitter. Criteria: Invitae Variant Classification Sherloc (09022015). Collection method: clinical testing. Allele origin: germline.
Comment: For these reasons, this variant has been classified as Pathogenic. ClinVar contains an entry for this variant (Variation ID: 803937). This variant has not been reported in the literature in individuals affected with DMD-related conditions. This variant is not present in population databases (gnomAD no frequency). This sequence change creates a premature translational stop signal (p.Ala324Valfs*11) in the DMD gene. It is expected to result in an absent or disrupted protein product. Loss-of-function variants in DMD are known to be pathogenic (PMID: 16770791, 25007885).

Mendelics
Classification: Pathogenic for Duchenne muscular dystrophy. Last evaluated: 2019-05-28. Review status: criteria provided, single submitter. Criteria: Mendelics Assertion Criteria 2017. Collection method: clinical testing. Allele origin: unknown.

Literature cited by the submitters: PubMed 16770791 (cited by Labcorp Genetics (formerly Invitae), Labcorp); PubMed 25007885 (cited by Labcorp Genetics (formerly Invitae), Labcorp).